The following is an entry in ClinVar:

ClinVar aggregate classification (germline): Uncertain significance (1 of 4 stars; one submission).

Conditions:
Glycogen storage disease, type II (IOPD). Also called: POMPE DISEASE, INFANTILE-ONSET; GLYCOGEN STORAGE DISEASE II, INFANTILE-ONSET; ACID ALPHA-GLUCOSIDASE DEFICIENCY, INFANTILE-ONSET; GAA DEFICIENCY, INFANTILE-ONSET; ACID MALTASE DEFICIENCY, INFANTILE-ONSET; Glycogen storage disease type 2. Identifiers: Orphanet 365, MedGen C0017921, MONDO:0009290, OMIM 232300.

Submission:

Labcorp Genetics (formerly Invitae), Labcorp
Classification: Uncertain significance for Glycogen storage disease, type II. Last evaluated: 2025-04-30. Review status: criteria provided, single submitter. Criteria: Invitae Variant Classification Sherloc (09022015). Collection method: clinical testing. Allele origin: germline.
Comment: This sequence change replaces valine, which is neutral and non-polar, with leucine, which is neutral and non-polar, at codon 3 of the GAA protein (p.Val3Leu). This variant is not present in population databases (gnomAD no frequency). This variant has not been reported in the literature in individuals affected with GAA-related conditions. Invitae Evidence Modeling of protein sequence and biophysical properties (such as structural, functional, and spatial information, amino acid conservation, physicochemical variation, residue mobility, and thermodynamic stability) indicates that this missense variant is not expected to disrupt GAA protein function with a negative predictive value of 95%. In summary, the available evidence is currently insufficient to determine the role of this variant in disease. Therefore, it has been classified as a Variant of Uncertain Significance.

NM_000152.5(GAA):c.7G>T (p.Val3Leu)

Gene: GAA (alpha glucosidase; plus strand). Cytogenetic location: 17q25.3.
Variant type: single nucleotide variant.
Coding change: c.7G>T on transcript NM_000152.5 (MANE Select); coding-DNA position 7, G replaced by T.
Protein change: p.Val3Leu; replaces valine 3 with leucine.
Molecular consequence: missense variant.
Genome position (GRCh38, 1-based): chr17:80,104,593, G>T. VCF-style: chr17-80104593-G-T. GRCh37 (hg19) VCF-style: chr17-78078392-G-T.
Other names: c.7G>T, p.Val3Leu (NM_001079803.3, NM_001079804.3, NM_001406741.1 and 1 more transcripts); short protein forms V3L.
Identifiers: ClinVar variation 4749995 (VCV004749995.1).